The following is an entry in ClinVar:

ClinVar aggregate classification (germline): Uncertain significance. Review status: criteria provided, multiple submitters, no conflicts (2 of 4 stars). 3 submissions from 3 submitters: Uncertain significance (2). 1 of the submissions does not count toward it. Last evaluated 2024-03-08.

Conditions:
Hereditary cancer-predisposing syndrome. Also called: Tumor predisposition; Hereditary neoplastic syndrome; Neoplastic Syndromes, Hereditary; Hereditary Cancer Syndrome. Identifiers: Orphanet 140162, MedGen C0027672, MeSH D009386, MONDO:0015356.
Ataxia-telangiectasia syndrome (AT). Also called: Ataxia-telangiectasia, complementation group D; AT, COMPLEMENTATION GROUP C; ATAXIA-TELANGIECTASIA, COMPLEMENTATION GROUP A; ATAXIA-TELANGIECTASIA, FRESNO VARIANT; Ataxia-telangiectasia; LOUIS-BAR SYNDROME. Identifiers: Orphanet 100, MedGen C0004135, MONDO:0008840, OMIM 208900.

Submissions (3):

Ambry Genetics
Classification: Uncertain significance for Hereditary cancer-predisposing syndrome. Last evaluated: 2024-03-08. Review status: criteria provided, single submitter. Criteria: Ambry Variant Classification Scheme 2023. Collection method: clinical testing. Allele origin: germline.
Comment: The p.S2114Y variant (also known as c.6341C>A), located in coding exon 42 of the ATM gene, results from a C to A substitution at nucleotide position 6341. The serine at codon 2114 is replaced by tyrosine, an amino acid with dissimilar properties. This amino acid position is not well conserved in available vertebrate species. In addition, this alteration is predicted to be tolerated by in silico analysis. Since supporting evidence is limited at this time, the clinical significance of this alteration remains unclear.

Labcorp Genetics (formerly Invitae), Labcorp
Classification: Uncertain significance for Ataxia-telangiectasia syndrome. Last evaluated: 2023-12-05. Review status: criteria provided, single submitter. Criteria: Invitae Variant Classification Sherloc (09022015). Collection method: clinical testing. Allele origin: germline.
Comment: This sequence change replaces serine, which is neutral and polar, with tyrosine, which is neutral and polar, at codon 2114 of the ATM protein (p.Ser2114Tyr). This variant is not present in population databases (gnomAD no frequency). This variant has not been reported in the literature in individuals affected with ATM-related conditions. ClinVar contains an entry for this variant (Variation ID: 650028). Algorithms developed to predict the effect of missense changes on protein structure and function output the following: SIFT: "Not Available"; PolyPhen-2: "Benign"; Align-GVGD: "Not Available". The tyrosine amino acid residue is found in multiple mammalian species, which suggests that this missense change does not adversely affect protein function. In summary, the available evidence is currently insufficient to determine the role of this variant in disease. Therefore, it has been classified as a Variant of Uncertain Significance.

Natera, Inc.
Classification: Uncertain significance for Ataxia-telangiectasia. Last evaluated: 2021-08-16. Review status: no assertion criteria provided. Collection method: clinical testing. Allele origin: germline. Not counted in ClinVar's aggregate classification.

NM_000051.4(ATM):c.6341C>A (p.Ser2114Tyr)

Genes: ATM (ATM serine/threonine kinase; plus strand), C11orf65 (chromosome 11 open reading frame 65; minus strand). Cytogenetic location: 11q22.3.
Variant type: single nucleotide variant.
Coding change: c.6341C>A on transcript NM_000051.4 (MANE Select); coding-DNA position 6341, C replaced by A.
Protein change: p.Ser2114Tyr; replaces serine 2114 with tyrosine.
Molecular consequence: missense variant. On other transcripts: intron variant (2).
Genome position (GRCh38, 1-based): chr11:108,317,515, C>A. VCF-style: chr11-108317515-C-A. GRCh37 (hg19) VCF-style: chr11-108188242-C-A.
Other names: c.6341C>A, p.Ser2114Tyr (NM_001351834.2); c.641-8444G>T (NM_001330368.2); c.*39-8444G>T (NM_001351110.2); short protein forms S2114Y.
Identifiers: ClinVar variation 650028 (VCV000650028.22), dbSNP rs1591790425, ClinGen allele CA382552326.